The following is an entry in ClinVar:

NM_130839.5(UBE3A):c.1204A>C (p.Ser402Arg)

Genes: SNHG14 (small nucleolar RNA host gene 14; plus strand), UBE3A (ubiquitin protein ligase E3A; minus strand). Cytogenetic location: 15q11.2.
Variant type: single nucleotide variant.
Coding change: c.1204A>C on transcript NM_130839.5 (MANE Select); coding-DNA position 1204, A replaced by C.
Protein change: p.Ser402Arg; replaces serine 402 with arginine.
Molecular consequence: missense variant. On other transcripts: non-coding transcript variant (1), intron variant (2).
Genome position (GRCh38, 1-based): chr15:25,370,970, T>G on the plus strand (A>C on the coding strand, the complement: UBE3A is on the minus strand). VCF-style: chr15-25370970-T-G. GRCh37 (hg19) VCF-style: chr15-25616117-T-G.
Other names: c.1144A>C, p.Ser382Arg (NM_001354540.2, NM_001354541.2, NM_001354542.2 and 17 more transcripts); c.1204A>C, p.Ser402Arg (NM_001354545.2, NM_001354505.1, NM_001354538.2); c.1027A>C, p.Ser343Arg (NM_001354546.2); c.1213A>C, p.Ser405Arg (NM_000462.5); c.301+4495A>C (NM_001354551.2); c.361+4495A>C (NM_001354550.2); short protein forms S343R, S382R, S402R, S405R.
Identifiers: ClinVar variation 2504847 (VCV002504847.1), dbSNP rs2552191590, ClinGen allele CA391354129.

ClinVar aggregate classification (germline): Uncertain significance (1 of 4 stars; one submission).

Submission:

GeneDx
Classification: Uncertain significance. Last evaluated: 2022-12-08. Review status: criteria provided, single submitter. Criteria: GeneDx Variant Classification Process June 2021. Collection method: clinical testing. Allele origin: germline. Affected: yes.
Comment: Not observed at significant frequency in large population cohorts (gnomAD); In silico analysis supports that this missense variant does not alter protein structure/function; Has not been previously published as pathogenic or benign to our knowledge